The following is an entry in ClinVar:

NM_000146.4(FTL):c.-155T>C

Gene: FTL (ferritin light chain; plus strand). Cytogenetic location: 19q13.33.
Variant type: single nucleotide variant.
Coding change: c.-155T>C on transcript NM_000146.4 (MANE Select); 155 bases upstream of the start codon, T replaced by C.
Molecular consequence: 5 prime UTR variant.
Genome position (GRCh38, 1-based): chr19:48,965,353, T>C. VCF-style: chr19-48965353-T-C. GRCh37 (hg19) VCF-style: chr19-49468610-T-C.
Identifiers: ClinVar variation 3757651 (VCV003757651.2).

ClinVar aggregate classification (germline): Uncertain significance (1 of 4 stars; one submission).

Conditions:
Hereditary hyperferritinemia with congenital cataracts. Also called: HYPERFERRITINEMIA WITH OR WITHOUT CATARACT; Hereditary hyperferritinemia cataract syndrome; Bonneau-Beaumont syndrome. Identifiers: Orphanet 163, MedGen C1833213, MONDO:0010952, OMIM 600886.
Neuroferritinopathy (NBIA3). Also called: NEURODEGENERATION WITH BRAIN IRON ACCUMULATION 3; BASAL GANGLIA DISEASE, ADULT-ONSET. Identifiers: Orphanet 157846, MedGen C1853578, MONDO:0011638, OMIM 606159.

Submission:

Labcorp Genetics (formerly Invitae), Labcorp
Classification: Uncertain significance for Neuroferritinopathy; Hereditary hyperferritinemia with congenital cataracts. Last evaluated: 2024-08-28. Review status: criteria provided, single submitter. Criteria: Invitae Variant Classification Sherloc (09022015). Collection method: clinical testing. Allele origin: germline.
Comment: This variant occurs in a non-coding region of the FTL gene. It does not change the encoded amino acid sequence of the FTL protein. This variant is not present in population databases (gnomAD no frequency). This variant has been observed in individual(s) with clinical features of hyperFerritinemia and cataract syndrome (internal data). In summary, the available evidence is currently insufficient to determine the role of this variant in disease. Therefore, it has been classified as a Variant of Uncertain Significance.